The following is an entry in ClinVar:

ClinVar aggregate classification (germline): Uncertain significance (1 of 4 stars; one submission).

Conditions:
Cystic fibrosis (CF). Also called: MUCOVISCIDOSIS. Identifiers: Orphanet 586, MedGen C0010674, MONDO:0009061, OMIM 219700. Disease mechanism: loss of function.

Allele frequency attached by ClinVar (database versions not stated): TOPMed below 0.00001.

Submission:

Labcorp Genetics (formerly Invitae), Labcorp
Classification: Uncertain significance for Cystic fibrosis. Last evaluated: 2021-09-02. Review status: criteria provided, single submitter. Criteria: Invitae Variant Classification Sherloc (09022015). Collection method: clinical testing. Allele origin: germline.
Comment: This sequence change replaces valine with isoleucine at codon 922 of the CFTR protein (p.Val922Ile). The valine residue is moderately conserved and there is a small physicochemical difference between valine and isoleucine. This variant is not present in population databases (ExAC no frequency). This variant has not been reported in the literature in individuals affected with CFTR-related conditions. Algorithms developed to predict the effect of missense changes on protein structure and function output the following: SIFT: "Tolerated"; PolyPhen-2: "Benign"; Align-GVGD: "Class C0". The isoleucine amino acid residue is found in multiple mammalian species, which suggests that this missense change does not adversely affect protein function. In summary, the available evidence is currently insufficient to determine the role of this variant in disease. Therefore, it has been classified as a Variant of Uncertain Significance.

NM_000492.4(CFTR):c.2764G>A (p.Val922Ile)

Gene: CFTR (CF transmembrane conductance regulator; plus strand). Cytogenetic location: 7q31.2.
Variant type: single nucleotide variant.
Coding change: c.2764G>A on transcript NM_000492.4 (MANE Select); coding-DNA position 2764, G replaced by A.
Protein change: p.Val922Ile; replaces valine 922 with isoleucine.
Molecular consequence: missense variant.
Genome position (GRCh38, 1-based): chr7:117,603,638, G>A. VCF-style: chr7-117603638-G-A. GRCh37 (hg19) VCF-style: chr7-117243692-G-A.
Other names: short protein forms V922I.
Identifiers: ClinVar variation 1044502 (VCV001044502.6), dbSNP rs1792259336, ClinGen allele CA368986694.